The following is an entry in ClinVar:

ClinVar aggregate classification (germline): Likely benign (1 of 4 stars; one submission).

Submission:

CeGaT Center for Human Genetics Tuebingen
Classification: Likely benign. Last evaluated: 2025-09-01. Review status: criteria provided, single submitter. Criteria: CeGaT Center For Human Genetics Tuebingen Variant Classification Criteria Version 2. Collection method: clinical testing. Allele origin: germline. Affected: yes. Observed: 1 variant allele.
Comment: AMH: BP4, BP7

NM_000479.5(AMH):c.31C>T (p.Leu11=)

Genes: AMH (anti-Mullerian hormone; plus strand), LOC108783649 (AMH 5' regulatory region; plus strand). Cytogenetic location: 19p13.3.
Variant type: single nucleotide variant.
Coding change: c.31C>T on transcript NM_000479.5 (MANE Select); coding-DNA position 31, C replaced by T.
Protein change: p.Leu11=; no amino-acid change (leucine 11 retained).
Molecular consequence: synonymous variant.
Genome position (GRCh38, 1-based): chr19:2,249,363, C>T. VCF-style: chr19-2249363-C-T. GRCh37 (hg19) VCF-style: chr19-2249362-C-T.
Identifiers: ClinVar variation 4281078 (VCV004281078.7).